The following is an entry in ClinVar:

NM_024649.5(BBS1):c.389_390insGAAGAGT (p.Pro131fs)

Gene: BBS1 (Bardet-Biedl syndrome 1; plus strand). Cytogenetic location: 11q13.2.
Variant type: Insertion.
Coding change: c.389_390insGAAGAGT on transcript NM_024649.5 (MANE Select); coding-DNA positions 389 to 390, GAAGAGT inserted.
Protein change: p.Pro131fs; shifts the reading frame from proline 131.
Molecular consequence: frameshift variant.
Genome position: GRCh38 VCF-style: chr11-66514635-C-CGAAGAGT. GRCh37 (hg19) VCF-style: chr11-66282106-C-CGAAGAGT.
Other names: short protein forms P131fs.
Identifiers: ClinVar variation 5014727 (VCV005014727.1).

ClinVar aggregate classification (germline): Pathogenic (1 of 4 stars; one submission).

Conditions:
Bardet-Biedl syndrome 1 (BBS1). Identifiers: MedGen C2936862, MONDO:0008854, OMIM 209900. Disease mechanism: loss of function.

Submission:

Myriad Genetics, Inc.
Classification: Pathogenic for Bardet-Biedl syndrome 1. Last evaluated: 2025-07-14. Review status: criteria provided, single submitter. Criteria: Myriad Autosomal Dominant, Autosomal Recessive and X-Linked Classification Criteria (2023). Collection method: clinical testing. Allele origin: unknown.
Comment: NM_024649.4(BBS1):c.389_390ins7(P131Kfs*53) is expected to be pathogenic in the context of Bardet-Biedl syndrome, BBS1-related. This variant is predicted to lead to an abnormal or absent protein product due to the creation of a premature termination codon in BBS1, a gene where loss-of-function variants are known to be pathogenic. Please note: this variant was assessed in the context of healthy population screening.